The following is an entry in ClinVar:

NM_001184.4(ATR):c.4900G>T (p.Asp1634Tyr)

Gene: ATR (ATR checkpoint kinase; minus strand). Cytogenetic location: 3q23.
Variant type: single nucleotide variant.
Coding change: c.4900G>T on transcript NM_001184.4 (MANE Select); coding-DNA position 4900, G replaced by T.
Protein change: p.Asp1634Tyr; replaces aspartic acid 1634 with tyrosine.
Molecular consequence: missense variant.
Genome position (GRCh38, 1-based): chr3:142,508,062, C>A on the plus strand (G>T on the coding strand, the complement: ATR is on the minus strand). VCF-style: chr3-142508062-C-A. GRCh37 (hg19) VCF-style: chr3-142226904-C-A.
Other names: c.4708G>T, p.Asp1570Tyr (NM_001354579.2); short protein forms D1634Y, D1570Y.
Identifiers: ClinVar variation 1743989 (VCV001743989.2), dbSNP rs2108361373, ClinGen allele CA354820840.
Genomic context (GRCh38, chr3:142,508,062, plus strand): 5'-CTCGTGTGTATGCTTTGGAGCGAAAGGAAGCTACTGCCAGAGTATCCTGGGGTATGAGGT[C>A]TAGAAAACGGGTTACACTCTGATAGTCTTCATAATCCACAGTAGATACTAGATCATAAAA-3'
Protein context (NP_001175.2, residues 1624-1644): EDYQSVTRFL[Asp1634Tyr]LIPQDTLAVA

ClinVar aggregate classification (germline): Uncertain significance (1 of 4 stars; one submission).

Conditions:
Inborn genetic diseases. Identifiers: MedGen C0950123, MeSH D030342.

Submission:

Ambry Genetics
Classification: Uncertain significance for Inborn genetic diseases. Last evaluated: 2021-12-10. Review status: criteria provided, single submitter. Criteria: Ambry Variant Classification Scheme 2023. Collection method: clinical testing. Allele origin: germline.
Comment: The p.D1634Y variant (also known as c.4900G>T), located in coding exon 28 of the ATR gene, results from a G to T substitution at nucleotide position 4900. The aspartic acid at codon 1634 is replaced by tyrosine, an amino acid with highly dissimilar properties. This amino acid position is conserved. In addition, the in silico prediction for this alteration is inconclusive. Since supporting evidence is limited at this time, the clinical significance of this alteration remains unclear.